The following is an entry in ClinVar:

ClinVar aggregate classification (germline): Pathogenic/Likely pathogenic. Review status: criteria provided, multiple submitters, no conflicts (2 of 4 stars). 3 submissions from 3 submitters: Pathogenic (2); Likely pathogenic (1). Last evaluated 2025-08-21.

Conditions:
Early-infantile DEE. Also called: Early infantile epileptic encephalopathy; Early infantile epileptic encephalopathy with suppression bursts; Ohtahara syndrome. Identifiers: Orphanet 1934, MedGen C0393706, MONDO:0800491.
Severe myoclonic epilepsy in infancy (DRVT). Also called: Epileptic encephalopathy, early infantile, 6 (Dravet syndrome); SEVERE MYOCLONIC EPILEPSY OF INFANCY; DEVELOPMENTAL AND EPILEPTIC ENCEPHALOPATHY 6A; Severe Myoclonic Epilepsy in Infancy (SMEI); Dravet syndrome. Identifiers: Orphanet 33069, MedGen C0751122, MONDO:0100135, OMIM 607208.

Submissions (3):

Labcorp Genetics (formerly Invitae), Labcorp
Classification: Pathogenic for Early-infantile DEE. Last evaluated: 2025-08-21. Review status: criteria provided, single submitter. Criteria: Invitae Variant Classification Sherloc (09022015). Collection method: clinical testing. Allele origin: germline.
Comment: This sequence change replaces threonine, which is neutral and polar, with asparagine, which is neutral and polar, at codon 160 of the SCN1A protein (p.Thr160Asn). This variant is not present in population databases (gnomAD no frequency). This missense change has been observed in individuals with SCN1A-related conditions (PMID: 28664031, 32613771, 34489640; internal data). ClinVar contains an entry for this variant (Variation ID: 998557). Invitae Evidence Modeling of protein sequence and biophysical properties (such as structural, functional, and spatial information, amino acid conservation, physicochemical variation, residue mobility, and thermodynamic stability) indicates that this missense variant is expected to disrupt SCN1A protein function with a positive predictive value of 95%. For these reasons, this variant has been classified as Pathogenic.

GeneDx
Classification: Pathogenic. Last evaluated: 2025-02-21. Review status: criteria provided, single submitter. Criteria: GeneDx Variant Classification Process June 2021. Collection method: clinical testing. Allele origin: germline. Affected: yes.
Comment: Not observed at significant frequency in large population cohorts (gnomAD); In silico analysis supports that this missense variant has a deleterious effect on protein structure/function; This substitution is predicted to be within the transmembrane segment S2 of the first homologous domain; This variant is associated with the following publications: (PMID: 33067208, 28664031, 34489640, 32613771)

Institute of Medical Genetics and Applied Genomics, University Hospital Tübingen
Classification: Likely pathogenic for Severe myoclonic epilepsy in infancy. Last evaluated: 2022-12-13. Review status: criteria provided, single submitter. Criteria: ACMG Guidelines, 2015. Collection method: clinical testing. Allele origin: germline. Inheritance: Autosomal dominant inheritance. Affected: yes.

Literature cited by the submitters: PubMed 28664031 (cited by Labcorp Genetics (formerly Invitae), Labcorp); PubMed 32613771 (cited by Labcorp Genetics (formerly Invitae), Labcorp); PubMed 34489640 (cited by Labcorp Genetics (formerly Invitae), Labcorp).

NM_001165963.4(SCN1A):c.479C>A (p.Thr160Asn)

Genes: SCN1A-AS1 (SCN1A and SCN9A antisense RNA 1; plus strand), SCN1A (sodium voltage-gated channel alpha subunit 1; minus strand). Cytogenetic location: 2q24.3.
Variant type: single nucleotide variant.
Coding change: c.479C>A on transcript NM_001165963.4 (MANE Select); coding-DNA position 479, C replaced by A.
Protein change: p.Thr160Asn; replaces threonine 160 with asparagine.
Molecular consequence: missense variant. On other transcripts: 5 prime UTR variant (1), non-coding transcript variant (1).
Genome position (GRCh38, 1-based): chr2:166,054,761, G>T on the plus strand (C>A on the coding strand, the complement: SCN1A is on the minus strand). VCF-style: chr2-166054761-G-T. GRCh37 (hg19) VCF-style: chr2-166911271-G-T.
Other names: c.479C>A (NM_001165963.1); c.479C>A, p.Thr160Asn (NM_001165964.3, NM_001202435.3, NM_001353948.2 and 10 more transcripts); c.-1947C>A (NM_001353961.2); short protein forms T160N.
Identifiers: ClinVar variation 998557 (VCV000998557.15), dbSNP rs1698961617, ClinGen allele CA349075722.
Genomic context (GRCh38, chr2:166,054,761, plus strand): 5'-AAACAGAATCCCCTTGCAATAATTTTTATAAGTGATTCAAAAGTATATATTCCTGTGAAG[G>T]TGTATCTGAAAACAAGCATCCAAAAAATTTGATAAAGTAACAGTGTTTTTTCATAGCATA-3'
Protein context (NP_001159435.1, residues 150-170): PPDWTKNVEY[Thr160Asn]FTGIYTFESL